The following is an entry in ClinVar:

NM_033026.6(PCLO):c.9263T>G (p.Val3088Gly)

Gene: PCLO (piccolo presynaptic cytomatrix protein; minus strand). Cytogenetic location: 7q21.11.
Variant type: single nucleotide variant.
Coding change: c.9263T>G on transcript NM_033026.6 (MANE Select); coding-DNA position 9263, T replaced by G.
Protein change: p.Val3088Gly; replaces valine 3088 with glycine.
Molecular consequence: missense variant.
Genome position (GRCh38, 1-based): chr7:82,951,325, A>C on the plus strand (T>G on the coding strand, the complement: PCLO is on the minus strand). VCF-style: chr7-82951325-A-C. GRCh37 (hg19) VCF-style: chr7-82580641-A-C.
Other names: c.9263T>G, p.Val3088Gly (NM_014510.3); c.9263T>G (NM_033026.5); short protein forms V3088G.
Identifiers: ClinVar variation 1431160 (VCV001431160.6), dbSNP rs763669516, ClinGen allele CA4319954.

ClinVar aggregate classification (germline): Uncertain significance. Review status: criteria provided, multiple submitters, no conflicts (2 of 4 stars). 2 submissions from 2 submitters: Uncertain significance (2). Last evaluated 2022-09-07.

Conditions:
Inborn genetic diseases. Identifiers: MedGen C0950123, MeSH D030342.

Allele frequency attached by ClinVar (database versions not stated): gnomAD 0.00001; gnomAD exomes 0.00002 and 0.00008; TOPMed 0.00003; ExAC 0.00007.
gnomAD v4.1: 27 of 1,611,554 alleles (0.0017%); highest among the groups gnomAD compares: Admixed American, 0.037%; no homozygotes.

Submissions (2):

Labcorp Genetics (formerly Invitae), Labcorp
Classification: Uncertain significance. Last evaluated: 2022-09-07. Review status: criteria provided, single submitter. Criteria: Invitae Variant Classification Sherloc (09022015). Collection method: clinical testing. Allele origin: germline.
Comment: This sequence change replaces valine, which is neutral and non-polar, with glycine, which is neutral and non-polar, at codon 3088 of the PCLO protein (p.Val3088Gly). This variant is present in population databases (rs763669516, gnomAD 0.06%). This variant has not been reported in the literature in individuals affected with PCLO-related conditions. ClinVar contains an entry for this variant (Variation ID: 1431160). Algorithms developed to predict the effect of missense changes on protein structure and function are either unavailable or do not agree on the potential impact of this missense change (SIFT: "Deleterious"; PolyPhen-2: "Not Available"; Align-GVGD: "Class C0"). In summary, the available evidence is currently insufficient to determine the role of this variant in disease. Therefore, it has been classified as a Variant of Uncertain Significance.

Ambry Genetics
Classification: Uncertain significance for Inborn genetic diseases. Last evaluated: 2022-01-04. Review status: criteria provided, single submitter. Criteria: Ambry Variant Classification Scheme 2023. Collection method: clinical testing. Allele origin: germline.